The following is an entry in ClinVar:

NM_001201543.2(FAM161A):c.1720C>T (p.Gln574Ter)

Gene: FAM161A (FAM161 centrosomal protein A; minus strand). Cytogenetic location: 2p15.
Variant type: single nucleotide variant.
Coding change: c.1720C>T on transcript NM_001201543.2 (MANE Select); coding-DNA position 1720, C replaced by T.
Protein change: p.Gln574Ter; replaces glutamine 574 with a stop codon.
Molecular consequence: nonsense. On other transcripts: intron variant (1).
Genome position (GRCh38, 1-based): chr2:61,838,569, G>A on the plus strand (C>T on the coding strand, the complement: FAM161A is on the minus strand). VCF-style: chr2-61838569-G-A. GRCh37 (hg19) VCF-style: chr2-62065704-G-A.
Other names: c.1583+852C>T (NM_032180.3); short protein forms Q574*.
Identifiers: ClinVar variation 1075585 (VCV001075585.7), dbSNP rs2105077920, ClinGen allele CA346985914.

ClinVar aggregate classification (germline): Pathogenic (1 of 4 stars; one submission).

Allele frequency attached by ClinVar (database versions not stated): gnomAD exomes below 0.00001.
gnomAD v4.1: 1 of 1,610,304 alleles (0.000062%); highest among the groups gnomAD compares: Non-Finnish European, 0.000085%; no homozygotes.

Submission:

Labcorp Genetics (formerly Invitae), Labcorp
Classification: Pathogenic. Last evaluated: 2021-01-14. Review status: criteria provided, single submitter. Criteria: Invitae Variant Classification Sherloc (09022015). Collection method: clinical testing. Allele origin: germline.
Comment: For these reasons, this variant has been classified as Pathogenic. Loss-of-function variants in FAM161A are known to be pathogenic (PMID: 20705278, 20705279, 24651477). This variant has not been reported in the literature in individuals with FAM161A-related conditions. This variant is not present in population databases (ExAC no frequency). This sequence change creates a premature translational stop signal (p.Gln574*) in the FAM161A gene. It is expected to result in an absent or disrupted protein product.

Literature cited by the submitters: PubMed 20705278; PubMed 20705279; PubMed 24651477.